The following is an entry in ClinVar:

ClinVar aggregate classification (germline): Uncertain significance. Review status: criteria provided, multiple submitters, no conflicts (2 of 4 stars). 2 submissions from 2 submitters: Uncertain significance (2). Last evaluated 2022-12-02.

Conditions:
Inborn genetic diseases. Identifiers: MedGen C0950123, MeSH D030342.
Mitochondrial hypertrophic cardiomyopathy with lactic acidosis due to MTO1 deficiency. Also called: CARDIOMYOPATHY, INFANTILE HYPERTROPHIC MITOCHONDRIAL, AND LACTIC ACIDOSIS; Combined oxidative phosphorylation deficiency 10. Identifiers: Orphanet 314637, MedGen C4749921, MONDO:0013865, OMIM 614702.

Allele frequency attached by ClinVar (database versions not stated): gnomAD exomes below 0.00001.

Submissions (2):

Ambry Genetics
Classification: Uncertain significance for Inborn genetic diseases. Last evaluated: 2022-12-02. Review status: criteria provided, single submitter. Criteria: Ambry Variant Classification Scheme 2023. Collection method: clinical testing. Allele origin: germline.

Labcorp Genetics (formerly Invitae), Labcorp
Classification: Uncertain significance for Mitochondrial hypertrophic cardiomyopathy with lactic acidosis due to MTO1 deficiency. Last evaluated: 2021-06-14. Review status: criteria provided, single submitter. Criteria: Invitae Variant Classification Sherloc (09022015). Collection method: clinical testing. Allele origin: germline.
Comment: This sequence change replaces alanine with threonine at codon 547 of the MTO1 protein (p.Ala547Thr). The alanine residue is highly conserved and there is a small physicochemical difference between alanine and threonine. This variant is not present in population databases (ExAC no frequency). This variant has not been reported in the literature in individuals with MTO1-related conditions. Algorithms developed to predict the effect of missense changes on protein structure and function are either unavailable or do not agree on the potential impact of this missense change (SIFT: "Deleterious"; PolyPhen-2: "Possibly Damaging"; Align-GVGD: "Class C0"). In summary, the available evidence is currently insufficient to determine the role of this variant in disease. Therefore, it has been classified as a Variant of Uncertain Significance.

NM_012123.4(MTO1):c.1639G>A (p.Ala547Thr)

Gene: MTO1 (mitochondrial tRNA translation optimization 1; plus strand). Cytogenetic location: 6q13.
Variant type: single nucleotide variant.
Coding change: c.1639G>A on transcript NM_012123.4 (MANE Select); coding-DNA position 1639, G replaced by A.
Protein change: p.Ala547Thr; replaces alanine 547 with threonine.
Molecular consequence: missense variant.
Genome position (GRCh38, 1-based): chr6:73,492,235, G>A. VCF-style: chr6-73492235-G-A. GRCh37 (hg19) VCF-style: chr6-74201958-G-A.
Other names: c.1759G>A (NM_001123226.1); c.1759G>A, p.Ala587Thr (NM_001123226.2); c.1714G>A, p.Ala572Thr (NM_133645.3); short protein forms A587T, A547T, A572T.
Identifiers: ClinVar variation 1361061 (VCV001361061.9), dbSNP rs1771829402, ClinGen allele CA364700047.